The following is an entry in ClinVar:

NM_001253697.2(ERBIN):c.2015C>A (p.Thr672Asn)

Gene: ERBIN (erbb2 interacting protein; plus strand). Cytogenetic location: 5q12.3.
Variant type: single nucleotide variant.
Coding change: c.2015C>A on transcript NM_001253697.2 (MANE Select); coding-DNA position 2015, C replaced by A.
Protein change: p.Thr672Asn; replaces threonine 672 with asparagine.
Molecular consequence: missense variant.
Genome position (GRCh38, 1-based): chr5:66,050,894, C>A. VCF-style: chr5-66050894-C-A. GRCh37 (hg19) VCF-style: chr5-65346722-C-A.
Other names: c.2015C>A, p.Thr672Asn (NM_001006600.3, NM_001253698.2, NM_001253699.2 and 1 more transcripts); c.2003C>A, p.Thr668Asn (NM_001253701.2); short protein forms T668N, T672N.
Identifiers: ClinVar variation 2996259 (VCV002996259.3), dbSNP rs1471974557, ClinGen allele CA359863942.

ClinVar aggregate classification (germline): Uncertain significance (1 of 4 stars; one submission).

Submission:

Labcorp Genetics (formerly Invitae), Labcorp
Classification: Uncertain significance. Last evaluated: 2023-06-20. Review status: criteria provided, single submitter. Criteria: Invitae Variant Classification Sherloc (09022015). Collection method: clinical testing. Allele origin: germline.
Comment: This sequence change replaces threonine, which is neutral and polar, with asparagine, which is neutral and polar, at codon 672 of the ERBIN protein (p.Thr672Asn). This variant is not present in population databases (gnomAD no frequency). In summary, the available evidence is currently insufficient to determine the role of this variant in disease. Therefore, it has been classified as a Variant of Uncertain Significance. An algorithm developed to predict the effect of missense changes on protein structure and function (PolyPhen-2) suggests that this variant is likely to be disruptive. This variant has not been reported in the literature in individuals affected with ERBIN-related conditions.